The following is an entry in ClinVar:

ClinVar aggregate classification (germline): Uncertain significance (1 of 4 stars; one submission).

Allele frequency attached by ClinVar (database versions not stated): ExAC 0.00003; gnomAD exomes 0.00003 and 0.00005; gnomAD 0.00004 and 0.00005; TOPMed 0.00004; 1000 Genomes Project 30x 0.00016; 1000 Genomes Project 0.00020.
gnomAD v4.1: 49 of 1,614,152 alleles (0.003%); highest among the groups gnomAD compares: Non-Finnish European, 0.0041%; no homozygotes.

Submission:

Labcorp Genetics (formerly Invitae), Labcorp
Classification: Uncertain significance. Last evaluated: 2022-05-15. Review status: criteria provided, single submitter. Criteria: Invitae Variant Classification Sherloc (09022015). Collection method: clinical testing. Allele origin: germline.
Comment: This sequence change replaces proline, which is neutral and non-polar, with leucine, which is neutral and non-polar, at codon 462 of the LRIT3 protein (p.Pro462Leu). This variant is present in population databases (rs201097191, gnomAD 0.01%). This variant has not been reported in the literature in individuals affected with LRIT3-related conditions. Algorithms developed to predict the effect of missense changes on protein structure and function are either unavailable or do not agree on the potential impact of this missense change (SIFT: "Deleterious"; PolyPhen-2: "Probably Damaging"; Align-GVGD: "Class C0"). In summary, the available evidence is currently insufficient to determine the role of this variant in disease. Therefore, it has been classified as a Variant of Uncertain Significance.

NM_198506.5(LRIT3):c.1385C>T (p.Pro462Leu)

Gene: LRIT3 (leucine rich repeat, Ig-like and transmembrane domains 3; plus strand). Cytogenetic location: 4q25.
Variant type: single nucleotide variant.
Coding change: c.1385C>T on transcript NM_198506.5 (MANE Select); coding-DNA position 1385, C replaced by T.
Protein change: p.Pro462Leu; replaces proline 462 with leucine.
Molecular consequence: missense variant.
Genome position (GRCh38, 1-based): chr4:109,870,134, C>T. VCF-style: chr4-109870134-C-T. GRCh37 (hg19) VCF-style: chr4-110791290-C-T.
Other names: short protein forms P462L.
Identifiers: ClinVar variation 1492035 (VCV001492035.8), dbSNP rs201097191, ClinGen allele CA3043179.
Genomic context (GRCh38, chr4:109,870,134, plus strand): 5'-TCCAGCTCCACCAAGGTGGGAAAAGAAATTTAAAGGTGGCAAAGAATGGAAGTAAGCTTC[C>T]TCCAGCCAGCACAAGTAAGAAAGAAGAGCTGGCATTGTTGGATCAAACAATGCTTACGGA-3'
Protein context (NP_940908.3, residues 452-472): LKVAKNGSKL[Pro462Leu]PASTSKKEEL